The following is an entry in ClinVar:

ClinVar aggregate classification (germline): Uncertain significance (1 of 4 stars; one submission).

Submission:

CeGaT Center for Human Genetics Tuebingen
Classification: Uncertain significance. Last evaluated: 2023-08-01. Review status: criteria provided, single submitter. Criteria: CeGaT Center For Human Genetics Tuebingen Variant Classification Criteria Version 2. Collection method: clinical testing. Allele origin: germline. Affected: yes. Observed: 1 variant allele.
Comment: ZCCHC8: PM2

NM_017612.5(ZCCHC8):c.752T>C (p.Ile251Thr)

Gene: ZCCHC8 (zinc finger CCHC-type containing 8; minus strand). Cytogenetic location: 12q24.31.
Variant type: single nucleotide variant.
Coding change: c.752T>C on transcript NM_017612.5 (MANE Select); coding-DNA position 752, T replaced by C.
Protein change: p.Ile251Thr; replaces isoleucine 251 with threonine.
Molecular consequence: missense variant.
Genome position (GRCh38, 1-based): chr12:122,482,068, A>G on the plus strand (T>C on the coding strand, the complement: ZCCHC8 is on the minus strand). VCF-style: chr12-122482068-A-G. GRCh37 (hg19) VCF-style: chr12-122966615-A-G.
Other names: c.455T>C, p.Ile152Thr (NM_001350936.2); c.38T>C, p.Ile13Thr (NM_001350937.2, NM_001350938.2); c.521T>C, p.Ile174Thr (NM_001350935.2); short protein forms I13T, I152T, I174T, I251T.
Identifiers: ClinVar variation 2643500 (VCV002643500.24), dbSNP rs2547204655, ClinGen allele CA387053212.